The following is an entry in ClinVar:

ClinVar aggregate classification (germline): Likely benign (1 of 4 stars; one submission).

Submission:

CeGaT Center for Human Genetics Tuebingen
Classification: Likely benign. Last evaluated: 2023-03-01. Review status: criteria provided, single submitter. Criteria: CeGaT Center For Human Genetics Tuebingen Variant Classification Criteria Version 2. Collection method: clinical testing. Allele origin: germline. Affected: yes. Observed: 1 variant allele.
Comment: SPNS3: PM2:Supporting, BP4, BP7

NM_182538.5(SPNS3):c.1308T>C (p.Pro436=)

Genes: SPNS2-AS1 (SPNS2 antisense RNA 1; minus strand), SPNS3 (SPNS lysolipid transporter 3, sphingosine-1-phosphate (putative); plus strand). Cytogenetic location: 17p13.2.
Variant type: single nucleotide variant.
Coding change: c.1308T>C on transcript NM_182538.5 (MANE Select); coding-DNA position 1308, T replaced by C.
Protein change: p.Pro436=; no amino-acid change (proline 436 retained).
Molecular consequence: synonymous variant.
Genome position (GRCh38, 1-based): chr17:4,486,441, T>C. VCF-style: chr17-4486441-T-C. GRCh37 (hg19) VCF-style: chr17-4389736-T-C.
Other names: c.927T>C, p.Pro309= (NM_001320449.2).
Identifiers: ClinVar variation 2647255 (VCV002647255.24), dbSNP rs2507658912, ClinGen allele CA497513642.